The following is an entry in ClinVar:

ClinVar aggregate classification (germline): Benign/Likely benign. Review status: criteria provided, multiple submitters, no conflicts (2 of 4 stars). 2 submissions from 2 submitters: Benign (1); Likely benign (1). Last evaluated 2024-02-12.

Conditions:
Methylmalonic acidemia with homocystinuria, type cblX (MAHCX). Also called: INTELLECTUAL DEVELOPMENTAL DISORDER, X-LINKED 3. Identifiers: Orphanet 369962, MedGen C0796208, MONDO:0010657, OMIM 309541.

Allele frequency attached by ClinVar (database versions not stated): TOPMed 0.00002; gnomAD 0.00004; gnomAD exomes 0.00005 and 0.00008; ExAC 0.00009.
gnomAD v4.1: 57 of 1,184,033 alleles (0.0048%); highest among the groups gnomAD compares: Middle Eastern, 0.024%; no homozygotes.

Submissions (2):

Labcorp Genetics (formerly Invitae), Labcorp
Classification: Benign for Methylmalonic acidemia with homocystinuria, type cblX. Last evaluated: 2024-02-12. Review status: criteria provided, single submitter. Criteria: Invitae Variant Classification Sherloc (09022015). Collection method: clinical testing. Allele origin: germline.

GeneDx
Classification: Likely benign. Last evaluated: 2016-04-20. Review status: criteria provided, single submitter. Criteria: GeneDx Variant Classification (06012015). Collection method: clinical testing. Allele origin: germline. Affected: yes.
Comment: This variant is considered likely benign or benign based on one or more of the following criteria: it is a conservative change, it occurs at a poorly conserved position in the protein, it is predicted to be benign by multiple in silico algorithms, and/or has population frequency not consistent with disease.

NM_005334.3(HCFC1):c.5751C>T (p.Ser1917=)

Gene: HCFC1 (host cell factor C1; minus strand). Cytogenetic location: Xq28.
Variant type: single nucleotide variant.
Coding change: c.5751C>T on transcript NM_005334.3 (MANE Select); coding-DNA position 5751, C replaced by T.
Protein change: p.Ser1917=; no amino-acid change (serine 1917 retained).
Molecular consequence: synonymous variant.
Genome position (GRCh38, 1-based): chrX:153,950,496, G>A on the plus strand (C>T on the coding strand, the complement: HCFC1 is on the minus strand). VCF-style: chrX-153950496-G-A. GRCh37 (hg19) VCF-style: chrX-153215947-G-A.
Identifiers: ClinVar variation 385163 (VCV000385163.9), dbSNP rs782064674, ClinGen allele CA10556731.